The following is an entry in ClinVar:

ClinVar aggregate classification (germline): Uncertain significance (1 of 4 stars; one submission).

Submission:

Labcorp Genetics (formerly Invitae), Labcorp
Classification: Uncertain significance. Last evaluated: 2024-09-05. Review status: criteria provided, single submitter. Criteria: Invitae Variant Classification Sherloc (09022015). Collection method: clinical testing. Allele origin: germline.
Comment: This sequence change replaces isoleucine, which is neutral and non-polar, with arginine, which is basic and polar, at codon 1285 of the ITPR1 protein (p.Ile1285Arg). This variant is not present in population databases (gnomAD no frequency). This variant has not been reported in the literature in individuals affected with ITPR1-related conditions. Invitae Evidence Modeling of protein sequence and biophysical properties (such as structural, functional, and spatial information, amino acid conservation, physicochemical variation, residue mobility, and thermodynamic stability) indicates that this missense variant is expected to disrupt ITPR1 protein function with a positive predictive value of 95%. In summary, the available evidence is currently insufficient to determine the role of this variant in disease. Therefore, it has been classified as a Variant of Uncertain Significance.

NM_001378452.1(ITPR1):c.3926T>G (p.Ile1309Arg)

Gene: ITPR1 (inositol 1,4,5-trisphosphate receptor type 1; plus strand). Cytogenetic location: 3p26.1.
Variant type: single nucleotide variant.
Coding change: c.3926T>G on transcript NM_001378452.1 (MANE Select); coding-DNA position 3926, T replaced by G.
Protein change: p.Ile1309Arg; replaces isoleucine 1309 with arginine.
Molecular consequence: missense variant.
Genome position (GRCh38, 1-based): chr3:4,691,241, T>G. VCF-style: chr3-4691241-T-G. GRCh37 (hg19) VCF-style: chr3-4732925-T-G.
Other names: c.3899T>G, p.Ile1300Arg (NM_001099952.4); c.3881T>G, p.Ile1294Arg (NM_001168272.2); c.3854T>G, p.Ile1285Arg (NM_002222.7); short protein forms I1285R, I1294R, I1300R, I1309R.
Identifiers: ClinVar variation 2748259 (VCV002748259.3), dbSNP rs2469818979, ClinGen allele CA351630695.